The following is an entry in ClinVar:

NM_130839.5(UBE3A):c.613_614del (p.Glu205fs)

Genes: SNHG14 (small nucleolar RNA host gene 14; plus strand), UBE3A (ubiquitin protein ligase E3A; minus strand). Cytogenetic location: 15q11.2.
Variant type: Deletion.
Coding change: c.613_614del on transcript NM_130839.5 (MANE Select); coding-DNA positions 613 to 614, 2 bases deleted (GA; older notation c.613_614delGA).
Protein change: p.Glu205fs; shifts the reading frame from glutamic acid 205.
Molecular consequence: frameshift variant. On other transcripts: non-coding transcript variant (1), intron variant (2).
Genome position (GRCh38, 1-based): chr15:25,371,560-25,371,561, TC deleted on the plus strand (GA on the coding strand, the reverse complement: UBE3A is on the minus strand); deleting any 2 consecutive bases within chr15:25,371,560-25,371,562 gives the same sequence; the c. name uses the placement nearest the transcript's 3' end. VCF-style (leftmost placement, unchanged base first): chr15-25371559-TTC-T. GRCh37 (hg19) VCF-style: chr15-25616706-TTC-T.
Other names: c.553_554del, p.Glu185fs (NM_001354543.2, NM_001354544.2, NM_001354547.2 and 17 more transcripts); c.613_614del, p.Glu205fs (NM_001354545.2, NM_001354505.1, NM_001354538.2); c.436_437del, p.Glu146fs (NM_001354546.2); c.301+3904_301+3905del (NM_001354551.2); c.361+3904_361+3905del (NM_001354550.2); c.622_623del, p.Glu208fs (NM_000462.5); short protein forms E208fs, E185fs, E205fs, E146fs.
Identifiers: ClinVar variation 2710207 (VCV002710207.3), dbSNP rs2552191771, ClinGen allele CA2697554265.

ClinVar aggregate classification (germline): Pathogenic (1 of 4 stars; one submission).

Conditions:
Angelman syndrome (AS). Also called: HAPPY PUPPET SYNDROME. Identifiers: Orphanet 72, MedGen C0162635, MONDO:0007113, OMIM 105830. Disease mechanism: loss of function. Inheritance: imprinting disorder, AS is caused by disruption of maternally imprinted UBE3A located within the 15q11.2-q13 Angelman syndrome/Prader-Willi syndrome (AS/PWS) region..

Submission:

Labcorp Genetics (formerly Invitae), Labcorp
Classification: Pathogenic for Angelman syndrome. Last evaluated: 2023-06-10. Review status: criteria provided, single submitter. Criteria: Invitae Variant Classification Sherloc (09022015). Collection method: clinical testing. Allele origin: germline.
Comment: This sequence change creates a premature translational stop signal (p.Glu185Serfs*8) in the UBE3A gene. It is expected to result in an absent or disrupted protein product. Loss-of-function variants in UBE3A are known to be pathogenic (PMID: 25212744). This variant is not present in population databases (gnomAD no frequency). This variant has not been reported in the literature in individuals affected with UBE3A-related conditions. For these reasons, this variant has been classified as Pathogenic.

Literature cited by the submitters: PubMed 25212744.